The following is an entry in ClinVar:

ClinVar aggregate classification (germline): Uncertain significance. Review status: criteria provided, multiple submitters, no conflicts (2 of 4 stars). 2 submissions from 2 submitters: Uncertain significance (2). Last evaluated 2025-04-03.

Conditions:
Congenital hypothyroidism. Identifiers: Orphanet 442, MedGen C0010308, MONDO:0018612, HP:0000851.
Deficiency of iodide peroxidase (TDH2A). Also called: HYPOTHYROIDISM, CONGENITAL, DUE TO DYSHORMONOGENESIS, 2A; IODIDE PEROXIDASE DEFICIENCY; THYROID HORMONOGENESIS, GENETIC DEFECT IN, 2A; THYROID PEROXIDASE DEFICIENCY; Thyroid dyshormonogenesis 2A. Identifiers: Orphanet 95716, MedGen C1291299, MONDO:0010133, OMIM 274500.

Allele frequency attached by ClinVar (database versions not stated): gnomAD 0.00009; TOPMed 0.00010; gnomAD exomes 0.00022 and 0.00025; ESP Exome Variant Server 0.00023; ExAC 0.00025.

Submissions (2):

Cambridge Genomics Laboratory, East Genomic Laboratory Hub, NHS Genomic Medicine Service
Classification: Uncertain significance for Congenital hypothyroidism. Last evaluated: 2025-04-03. Review status: criteria provided, single submitter. Criteria: ACGS Best Practice Guidelines for Variant Classification in Rare Disease 2020. Collection method: clinical testing. Allele origin: germline. Affected: yes.
Comment: PM2,PM3,PP3,PP4

Illumina Laboratory Services, Illumina
Classification: Uncertain significance for Deficiency of iodide peroxidase. Last evaluated: 2018-01-12. Review status: criteria provided, single submitter. Criteria: ICSL Variant Classification Criteria 13 December 2019. Collection method: clinical testing. Allele origin: germline.

NM_001206744.2(TPO):c.617G>A (p.Arg206Gln)

Gene: TPO (thyroid peroxidase; plus strand). Cytogenetic location: 2p25.3.
Variant type: single nucleotide variant.
Coding change: c.617G>A on transcript NM_001206744.2 (MANE Select); coding-DNA position 617, G replaced by A.
Protein change: p.Arg206Gln; replaces arginine 206 with glutamine.
Molecular consequence: missense variant.
Genome position (GRCh38, 1-based): chr2:1,456,080, G>A. VCF-style: chr2-1456080-G-A. GRCh37 (hg19) VCF-style: chr2-1459852-G-A.
Other names: c.617G>A, p.Arg206Gln (NM_000547.6, NM_001206745.2, NM_175719.4 and 2 more transcripts); short protein forms R206Q.
Identifiers: ClinVar variation 894569 (VCV000894569.5), dbSNP rs144088710, ClinGen allele CA1511521.